The following is an entry in ClinVar:

NM_006231.4(POLE):c.2262C>A (p.Tyr754Ter)

Gene: POLE (DNA polymerase epsilon, catalytic subunit; minus strand). Cytogenetic location: 12q24.33.
Variant type: single nucleotide variant.
Coding change: c.2262C>A on transcript NM_006231.4 (MANE Select); coding-DNA position 2262, C replaced by A.
Protein change: p.Tyr754Ter; replaces tyrosine 754 with a stop codon.
Molecular consequence: nonsense.
Genome position (GRCh38, 1-based): chr12:132,667,560, G>T on the plus strand (C>A on the coding strand, the complement: POLE is on the minus strand). VCF-style: chr12-132667560-G-T. GRCh37 (hg19) VCF-style: chr12-133244146-G-T.
Other names: short protein forms Y754*.
Identifiers: ClinVar variation 3659600 (VCV003659600.2).
Genomic context (GRCh38, chr12:132,667,560, plus strand): 5'-CACCTTGTGGAGCCCTTTGAACTCGTAACGCCTGTCCCGGAAGGCACGCACGGTGTCCAC[G>T]TAGAAGGAGTTTTCCCGCTGGCAGATGGTGGTGAGACGCTCTTCCACCTTGGTGATGTGG-3'

ClinVar aggregate classification (germline): Pathogenic (1 of 4 stars; one submission).

gnomAD v4.1: 1 of 1,613,764 alleles (0.000062%); highest among the groups gnomAD compares: Non-Finnish European, 0.000085%; no homozygotes.

Submission:

Labcorp Genetics (formerly Invitae), Labcorp
Classification: Pathogenic. Last evaluated: 2025-07-29. Review status: criteria provided, single submitter. Criteria: Invitae Variant Classification Sherloc (09022015). Collection method: clinical testing. Allele origin: germline.
Comment: This sequence change creates a premature translational stop signal (p.Tyr754*) in the POLE gene. It is expected to result in an absent or disrupted protein product. Loss-of-function variants in POLE are known to be pathogenic (PMID: 23230001, 25948378, 30503519). This variant is not present in population databases (gnomAD no frequency). This variant has not been reported in the literature in individuals affected with POLE-related conditions. ClinVar contains an entry for this variant (Variation ID: 3659600). For these reasons, this variant has been classified as Pathogenic.

Literature cited by the submitters: PubMed 23230001; PubMed 25948378; PubMed 30503519.